The following is an entry in ClinVar:

ClinVar aggregate classification (germline): Uncertain significance. Review status: criteria provided, multiple submitters, no conflicts (2 of 4 stars). 2 submissions from 2 submitters: Uncertain significance (2). Last evaluated 2025-11-01.

Conditions:
Inborn genetic diseases. Identifiers: MedGen C0950123, MeSH D030342.
Baller-Gerold syndrome (BGS). Also called: CRANIOSYNOSTOSIS WITH RADIAL DEFECTS. Identifiers: Orphanet 1225, MedGen C0265308, MONDO:0009039, OMIM 218600.

Submissions (2):

Ambry Genetics
Classification: Uncertain significance for Inborn genetic diseases. Last evaluated: 2025-11-01. Review status: criteria provided, single submitter. Criteria: Ambry Variant Classification Scheme 2023. Collection method: clinical testing. Allele origin: germline.
Comment: The p.P66R variant (also known as c.197C>G), located in coding exon 3 of the RECQL4 gene, results from a C to G substitution at nucleotide position 197. The proline at codon 66 is replaced by arginine, an amino acid with dissimilar properties. This amino acid position is conserved. In addition, this alteration is predicted to be tolerated by in silico analysis. Based on the available evidence, the clinical significance of this variant remains unclear.

Labcorp Genetics (formerly Invitae), Labcorp
Classification: Uncertain significance for Baller-Gerold syndrome. Last evaluated: 2023-06-14. Review status: criteria provided, single submitter. Criteria: Invitae Variant Classification Sherloc (09022015). Collection method: clinical testing. Allele origin: germline.
Comment: In summary, the available evidence is currently insufficient to determine the role of this variant in disease. Therefore, it has been classified as a Variant of Uncertain Significance. Experimental studies and prediction algorithms are not available or were not evaluated, and the functional significance of this variant is currently unknown. This variant has not been reported in the literature in individuals affected with RECQL4-related conditions. This variant is not present in population databases (gnomAD no frequency). This sequence change replaces proline, which is neutral and non-polar, with arginine, which is basic and polar, at codon 66 of the RECQL4 protein (p.Pro66Arg).

NM_004260.4(RECQL4):c.197C>G (p.Pro66Arg)

Gene: RECQL4 (RecQ like helicase 4; minus strand). Cytogenetic location: 8q24.3.
Variant type: single nucleotide variant.
Coding change: c.197C>G on transcript NM_004260.4 (MANE Select); coding-DNA position 197, C replaced by G.
Protein change: p.Pro66Arg; replaces proline 66 with arginine.
Molecular consequence: missense variant. On other transcripts: 5 prime UTR variant (16), non-coding transcript variant (3), intron variant (2).
Genome position (GRCh38, 1-based): chr8:144,517,430, G>C on the plus strand (C>G on the coding strand, the complement: RECQL4 is on the minus strand). VCF-style: chr8-144517430-G-C. GRCh37 (hg19) VCF-style: chr8-145742814-G-C.
Other names: c.197C>G (NM_004260.3); c.197C>G, p.Pro66Arg (NM_001413033.1, NM_001413036.1, NM_001413039.1 and 5 more transcripts); c.-779C>G (NM_001413034.1); c.-772C>G (NM_001413035.1, NM_001413024.1); c.-875C>G (NM_001413037.1, NM_001413038.1, NM_001413042.1 and 2 more transcripts); c.-937C>G (NM_001413041.1, NM_001413027.1, NM_001413030.1 and 1 more transcripts); c.-1144C>G (NM_001413043.1); c.85-240C>G (NM_001413025.1); and 4 more; short protein forms P66R.
Identifiers: ClinVar variation 2715043 (VCV002715043.4), dbSNP rs2538121606, ClinGen allele CA372692526.